The following is an entry in ClinVar:

ClinVar aggregate classification (germline): Benign. Review status: reviewed by expert panel (3 of 4 stars). 16 submissions from 16 submitters: Benign (1). 15 of the submissions do not count toward it. Last evaluated 2026-06-23.

Conditions:
Galactosemia. Also called: Galactose intolerance. Identifiers: Orphanet 352, MedGen C0016952, MONDO:0018116, HP:0004919. Disease mechanism: loss of function.
Deficiency of UDPglucose-hexose-1-phosphate uridylyltransferase. Also called: GALACTOSE-1-PHOSPHATE URIDYLYLTRANSFERASE DEFICIENCY; Transferase Deficiency Galactosemia; GALACTOSEMIA I; GALT deficiency; Galactosemia, classic. Identifiers: Orphanet 352, Orphanet 79239, MedGen C0268151, MONDO:0009258, OMIM 230400.

Allele frequency attached by ClinVar (database versions not stated): TOPMed 0.02333; 1000 Genomes Project 30x 0.02983; ExAC 0.03832; gnomAD 0.02537 and 0.02758; 1000 Genomes Project 0.03095; gnomAD exomes 0.03735.

Submissions (16):

Clingen Galactosemia Variant Curation Expert Panel, ClinGen
Classification: Benign for Galactosemia. Last evaluated: 2026-06-23. Review status: reviewed by expert panel. Criteria: ClinGen Galactosemia ACMG Specifications GALT V1.1. Collection method: curation. Allele origin: germline. Inheritance: Autosomal recessive inheritance.
Comment: The c.652C>T variant is a synonymous variant (p.Leu218=). The filtering allele frequency (the lower threshold of the 95% CI of 9510/91082) of the c.652C>T variant in GALT is 0.1027 for South Asian chromosomes in gnomAD v4.1.0, which is higher than the ClinGen Galactosemia VCEP threshold (≥0.01 or 1%) for BA1, and therefore meets this criterion (BA1). This variant meets the criteria to be classified as benign for galactosemia based on the ACMG/AMP criteria applied, as specified by the ClinGen Galactosemia VCEP: BA1 (GALT specifications v1.0.0).

CeGaT Center for Human Genetics Tuebingen
Classification: Likely benign. Last evaluated: 2026-07-01. Review status: criteria provided, single submitter. Criteria: CeGaT Center For Human Genetics Tuebingen Variant Classification Criteria Version 2. Collection method: clinical testing. Allele origin: germline. Affected: yes. Observed: 1 variant allele. Not counted in ClinVar's aggregate classification.
Comment: GALT: BP4, BP7

Labcorp Genetics (formerly Invitae), Labcorp
Classification: Benign for Deficiency of UDPglucose-hexose-1-phosphate uridylyltransferase. Last evaluated: 2026-02-04. Review status: criteria provided, single submitter. Criteria: Invitae Variant Classification Sherloc (09022015). Collection method: clinical testing. Allele origin: germline. Not counted in ClinVar's aggregate classification.

ARUP Laboratories, Molecular Genetics and Genomics, ARUP Laboratories
Classification: Benign for Deficiency of UDPglucose-hexose-1-phosphate uridylyltransferase. Last evaluated: 2023-11-29. Review status: criteria provided, single submitter. Criteria: ARUP Molecular Germline Variant Investigation Process 2024. Collection method: clinical testing. Allele origin: germline. Not counted in ClinVar's aggregate classification.

Fulgent Genetics
Classification: Benign for Deficiency of UDPglucose-hexose-1-phosphate uridylyltransferase. Last evaluated: 2021-07-19. Review status: criteria provided, single submitter. Criteria: ACMG Guidelines, 2015. Collection method: clinical testing. Allele origin: unknown. Not counted in ClinVar's aggregate classification.

GeneDx
Classification: Benign. Last evaluated: 2021-07-15. Review status: criteria provided, single submitter. Criteria: GeneDx Variant Classification Process June 2021. Collection method: clinical testing. Allele origin: germline. Affected: yes. Not counted in ClinVar's aggregate classification.

Genome-Nilou Lab
Classification: Benign for Deficiency of UDPglucose-hexose-1-phosphate uridylyltransferase. Last evaluated: 2021-05-18. Review status: criteria provided, single submitter. Criteria: ACMG Guidelines, 2015. Collection method: clinical testing. Allele origin: germline. Affected: no. Not counted in ClinVar's aggregate classification.

Illumina Laboratory Services, Illumina
Classification: Benign for Deficiency of UDPglucose-hexose-1-phosphate uridylyltransferase. Last evaluated: 2018-03-06. Review status: criteria provided, single submitter. Criteria: ICSL Variant Classification Criteria 13 December 2019. Collection method: clinical testing. Allele origin: germline. Not counted in ClinVar's aggregate classification.
Comment: This variant was observed in the ICSL laboratory as part of a predisposition screen in an ostensibly healthy population. It had not been previously curated by ICSL or reported in the Human Gene Mutation Database (HGMD: prior to June 1st, 2018), and was therefore a candidate for classification through an automated scoring system. Utilizing variant allele frequency, disease prevalence and penetrance estimates, and inheritance mode, an automated score was calculated to assess if this variant is too frequent to cause the disease. Based on the score and internal cut-off values, a variant classified as benign is not then subjected to further curation. The score for this variant resulted in a classification of benign for this disease.

Center for Pediatric Genomic Medicine, Children's Mercy Hospital and Clinics
Classification: Benign. Last evaluated: 2015-02-11. Review status: criteria provided, single submitter. Criteria: ACMG Guidelines, 2015. Collection method: clinical testing. Allele origin: germline. Not counted in ClinVar's aggregate classification.

Eurofins Ntd Llc (ga)
Classification: other. Last evaluated: 2015-02-05. Review status: criteria provided, single submitter. Criteria: EGL Classification Definitions 2015. Collection method: clinical testing. Allele origin: germline. Observed: 90 variant alleles, 87 heterozygotes, 3 homozygotes. Not counted in ClinVar's aggregate classification.

Women's Health and Genetics/Laboratory Corporation of America, LabCorp
Classification: Benign for Galactosemia. Last evaluated: 2011-08-18. Review status: criteria provided, single submitter. Criteria: LabCorp Variant Classification Summary - May 2015. Collection method: curation, clinical testing. Allele origin: germline. Inheritance: autosomal unknown. Affected: yes. Not counted in ClinVar's aggregate classification.
ClinVar note: Converted during submission from benign to Benign.

Breakthrough Genomics
Classification: Benign. Review status: criteria provided, single submitter. Criteria: ACMG Guidelines, 2015. Collection method: not provided. Allele origin: germline. Inheritance: Autosomal recessive inheritance. Affected: yes. Not counted in ClinVar's aggregate classification.

Natera, Inc.
Classification: Likely benign for Galactosemia. Last evaluated: 2017-03-29. Review status: no assertion criteria provided. Collection method: clinical testing. Allele origin: germline. Not counted in ClinVar's aggregate classification.

GeneReviews
Classification: Benign for Deficiency of UDPglucose-hexose-1-phosphate uridylyltransferase. Last evaluated: 2014-09-23. Review status: no assertion criteria provided. Collection method: literature only. Allele origin: germline. Affected: yes. Not counted in ClinVar's aggregate classification.

Genome Diagnostics Laboratory, University Medical Center Utrecht
Classification: Benign. Review status: no assertion criteria provided. Collection method: clinical testing. Allele origin: germline. Affected: yes. Study: VKGL Data-share Consensus. Not counted in ClinVar's aggregate classification.

Joint Genome Diagnostic Labs from Nijmegen and Maastricht, Radboudumc and MUMC+
Classification: Benign. Review status: no assertion criteria provided. Collection method: clinical testing. Allele origin: germline. Affected: yes. Study: VKGL Data-share Consensus. Not counted in ClinVar's aggregate classification.

Literature cited by the submitters: PubMed 10408771 (cited by Women's Health and Genetics/Laboratory Corporation of America, LabCorp); PubMed 10424825 (cited by Women's Health and Genetics/Laboratory Corporation of America, LabCorp); PubMed 9012409 (cited by GeneReviews); PubMed 11286503 (cited by GeneReviews).

NM_000155.4(GALT):c.652C>T (p.Leu218=)

Gene: GALT (galactose-1-phosphate uridylyltransferase; plus strand). Cytogenetic location: 9p13.3.
Variant type: single nucleotide variant.
Coding change: c.652C>T on transcript NM_000155.4 (MANE Select); coding-DNA position 652, C replaced by T.
Protein change: p.Leu218=; no amino-acid change (leucine 218 retained).
Molecular consequence: synonymous variant.
Genome position (GRCh38, 1-based): chr9:34,648,421, C>T. VCF-style: chr9-34648421-C-T. GRCh37 (hg19) VCF-style: chr9-34648418-C-T.
Other names: L218L; NM_000155.4(GALT):c.652C>T; p.Leu218=; c.325C>T, p.Leu109= (NM_001258332.2).
Identifiers: ClinVar variation 39372 (VCV000039372.34), dbSNP rs2070075, ClinGen allele CA220423.
Genomic context (GRCh38, chr9:34,648,421, plus strand): 5'-ATTGCCCAGCGTGAGGAGCGATCTCAGCAGGCCTATAAGAGTCAGCATGGAGAGCCCCTG[C>T]TAATGGAGTACAGCCGCCAGGAGCTACTCAGGAAGGTGGGAGAGAGCCAAGCCCTGTGTC-3'
Protein context (NP_000146.2, residues 208-228): AYKSQHGEPL[Leu218=]MEYSRQELLR